The following is an entry in ClinVar:

NM_020719.3(PRR12):c.183C>T (p.Thr61=)

Gene: PRR12 (proline rich 12; plus strand). Cytogenetic location: 19q13.33.
Variant type: single nucleotide variant.
Coding change: c.183C>T on transcript NM_020719.3 (MANE Select); coding-DNA position 183, C replaced by T.
Protein change: p.Thr61=; no amino-acid change (threonine 61 retained).
Molecular consequence: synonymous variant.
Genome position (GRCh38, 1-based): chr19:49,593,423, C>T. VCF-style: chr19-49593423-C-T. GRCh37 (hg19) VCF-style: chr19-50096680-C-T.
Identifiers: ClinVar variation 3251020 (VCV003251020.18), dbSNP rs554998162.

ClinVar aggregate classification (germline): Likely benign (1 of 4 stars; one submission).

Allele frequency attached by ClinVar (database versions not stated): gnomAD exomes below 0.00001; TOPMed below 0.00001; gnomAD 0.00001; ExAC 0.00002; 1000 Genomes Project 30x 0.00031; 1000 Genomes Project 0.00040.
gnomAD v4.1: 5 of 1,598,932 alleles (0.00031%); highest among the groups gnomAD compares: South Asian, 0.0055%; no homozygotes.

Submission:

CeGaT Center for Human Genetics Tuebingen
Classification: Likely benign. Last evaluated: 2024-06-01. Review status: criteria provided, single submitter. Criteria: CeGaT Center For Human Genetics Tuebingen Variant Classification Criteria Version 2. Collection method: clinical testing. Allele origin: germline. Affected: yes. Observed: 1 variant allele.
Comment: PRR12: BP4